The following is an entry in ClinVar:

NM_003737.4(DCHS1):c.170C>G (p.Ala57Gly)

Gene: DCHS1 (dachsous cadherin-related 1; minus strand). Cytogenetic location: 11p15.4.
Variant type: single nucleotide variant.
Coding change: c.170C>G on transcript NM_003737.4 (MANE Select); coding-DNA position 170, C replaced by G.
Protein change: p.Ala57Gly; replaces alanine 57 with glycine.
Molecular consequence: missense variant.
Genome position (GRCh38, 1-based): chr11:6,641,444, G>C on the plus strand (C>G on the coding strand, the complement: DCHS1 is on the minus strand). VCF-style: chr11-6641444-G-C. GRCh37 (hg19) VCF-style: chr11-6662675-G-C.
Other names: short protein forms A57G.
Identifiers: ClinVar variation 1699721 (VCV001699721.2), dbSNP rs754178605, ClinGen allele CA5861206.

ClinVar aggregate classification (germline): Uncertain significance (1 of 4 stars; one submission).

gnomAD v4.1: 1 of 1,606,080 alleles (0.000062%); highest among the groups gnomAD compares: South Asian, 0.0011%; no homozygotes.

Submission:

GeneDx
Classification: Uncertain significance. Last evaluated: 2022-01-13. Review status: criteria provided, single submitter. Criteria: GeneDx Variant Classification Process June 2021. Collection method: clinical testing. Allele origin: germline. Affected: yes.
Comment: Not observed at significant frequency in large population cohorts (gnomAD); In silico analysis supports that this missense variant has a deleterious effect on protein structure/function; Has not been previously published as pathogenic or benign to our knowledge